The following is an entry in ClinVar:

ClinVar aggregate classification (germline): Uncertain significance (1 of 4 stars; one submission).

Conditions:
Charcot-Marie-Tooth disease dominant intermediate C (CMTDIC). Also called: CHARCOT-MARIE-TOOTH NEUROPATHY, DOMINANT INTERMEDIATE C. Identifiers: Orphanet 100045, MedGen C1842237, MONDO:0012012, OMIM 608323.

Submission:

Labcorp Genetics (formerly Invitae), Labcorp
Classification: Uncertain significance for Charcot-Marie-Tooth disease dominant intermediate C. Last evaluated: 2022-09-22. Review status: criteria provided, single submitter. Criteria: Invitae Variant Classification Sherloc (09022015). Collection method: clinical testing. Allele origin: germline.
Comment: This variant is not present in population databases (gnomAD no frequency). In summary, the available evidence is currently insufficient to determine the role of this variant in disease. Therefore, it has been classified as a Variant of Uncertain Significance. Advanced modeling of protein sequence and biophysical properties (such as structural, functional, and spatial information, amino acid conservation, physicochemical variation, residue mobility, and thermodynamic stability) performed at Invitae indicates that this missense variant is not expected to disrupt YARS protein function. This variant has not been reported in the literature in individuals affected with YARS-related conditions. This sequence change replaces proline, which is neutral and non-polar, with serine, which is neutral and polar, at codon 399 of the YARS protein (p.Pro399Ser).

NM_003680.4(YARS1):c.1195C>T (p.Pro399Ser)

Gene: YARS1 (tyrosyl-tRNA synthetase 1; minus strand). Cytogenetic location: 1p35.1.
Variant type: single nucleotide variant.
Coding change: c.1195C>T on transcript NM_003680.4 (MANE Select); coding-DNA position 1195, C replaced by T.
Protein change: p.Pro399Ser; replaces proline 399 with serine.
Molecular consequence: missense variant.
Genome position (GRCh38, 1-based): chr1:32,780,224, G>A on the plus strand (C>T on the coding strand, the complement: YARS1 is on the minus strand). VCF-style: chr1-32780224-G-A. GRCh37 (hg19) VCF-style: chr1-33245825-G-A.
Other names: short protein forms P399S.
Identifiers: ClinVar variation 2031885 (VCV002031885.4), dbSNP rs2523351741, ClinGen allele CA339681721.